The following is an entry in ClinVar:

NM_003072.5(SMARCA4):c.1127C>T (p.Ala376Val)

Gene: SMARCA4 (SWI/SNF related BAF chromatin remodeling complex subunit ATPase 4; plus strand). Cytogenetic location: 19p13.2.
Variant type: single nucleotide variant.
Coding change: c.1127C>T on transcript NM_003072.5 (MANE Select); coding-DNA position 1127, C replaced by T.
Protein change: p.Ala376Val; replaces alanine 376 with valine.
Molecular consequence: missense variant. On other transcripts: non-coding transcript variant (1).
Genome position (GRCh38, 1-based): chr19:10,989,325, C>T. VCF-style: chr19-10989325-C-T. GRCh37 (hg19) VCF-style: chr19-11100001-C-T.
Other names: c.1127C>T, p.Ala376Val (NM_001128844.3, NM_001128845.2, NM_001128846.2 and 4 more transcripts); short protein forms A376V.
Identifiers: ClinVar variation 960516 (VCV000960516.9), dbSNP rs2086347503, ClinGen allele CA404059366.

ClinVar aggregate classification (germline): Uncertain significance (1 of 4 stars; one submission).

Conditions:
Rhabdoid tumor predisposition syndrome 2 (RTPS2). Identifiers: Orphanet 231108, Orphanet 69077, MedGen C2750074, MONDO:0013224, OMIM 613325.

Submission:

Labcorp Genetics (formerly Invitae), Labcorp
Classification: Uncertain significance for Rhabdoid tumor predisposition syndrome 2. Last evaluated: 2019-08-29. Review status: criteria provided, single submitter. Criteria: Invitae Variant Classification Sherloc (09022015). Collection method: clinical testing. Allele origin: germline.
Comment: In summary, the available evidence is currently insufficient to determine the role of this variant in disease. Therefore, it has been classified as a Variant of Uncertain Significance. Algorithms developed to predict the effect of sequence changes on RNA splicing suggest that this variant may create or strengthen a splice site, but this prediction has not been confirmed by published transcriptional studies. Algorithms developed to predict the effect of missense changes on protein structure and function (SIFT, PolyPhen-2, Align-GVGD) all suggest that this variant is likely to be disruptive, but these predictions have not been confirmed by published functional studies and their clinical significance is uncertain. This variant has not been reported in the literature in individuals with SMARCA4-related conditions. This variant is not present in population databases (ExAC no frequency). This sequence change replaces alanine with valine at codon 376 of the SMARCA4 protein (p.Ala376Val). The alanine residue is highly conserved and there is a small physicochemical difference between alanine and valine.